The following is an entry in ClinVar:

NM_000135.4(FANCA):c.3059G>C (p.Arg1020Thr)

Gene: FANCA (FA complementation group A; minus strand). Cytogenetic location: 16q24.3.
Variant type: single nucleotide variant.
Coding change: c.3059G>C on transcript NM_000135.4 (MANE Select); coding-DNA position 3059, G replaced by C.
Protein change: p.Arg1020Thr; replaces arginine 1020 with threonine.
Molecular consequence: missense variant.
Genome position (GRCh38, 1-based): chr16:89,752,145, C>G on the plus strand (G>C on the coding strand, the complement: FANCA is on the minus strand). VCF-style: chr16-89752145-C-G. GRCh37 (hg19) VCF-style: chr16-89818553-C-G.
Other names: c.3059G>C, p.Arg1020Thr (NM_001286167.3); c.3059G>C (NM_000135.2); short protein forms R1020T.
Identifiers: ClinVar variation 1367748 (VCV001367748.6), dbSNP rs777061373, ClinGen allele CA8251369.
Genomic context (GRCh38, chr16:89,752,145, plus strand): 5'-GCACGCGGCTTAAATGAAGTGAATGCACTGAGTTGTGGCACCCTCAAACTCACCTGCAAT[C>G]TGGAAATAATATCCTCATTTCCTGTGCGGCCACCAAAGACCAAATCAGAATTTTCTGAGT-3'
Protein context (NP_000126.2, residues 1010-1030): GRTGNEDIIS[Arg1020Thr]LQEMVADLEL

ClinVar aggregate classification (germline): Uncertain significance. Review status: criteria provided, multiple submitters, no conflicts (2 of 4 stars). 2 submissions from 2 submitters: Uncertain significance (2). Last evaluated 2025-07-05.

Conditions:
Fanconi anemia (FA). Also called: Fanconi's anemia. Identifiers: Orphanet 84, MedGen C0015625, MeSH D005199, MONDO:0019391.
Inborn genetic diseases. Identifiers: MedGen C0950123, MeSH D030342.

Allele frequency attached by ClinVar (database versions not stated): gnomAD exomes below 0.00001; ExAC 0.00001.
gnomAD v4.1: 1 of 1,614,124 alleles (0.000062%); highest among the groups gnomAD compares: Admixed American, 0.0017%; no homozygotes.

Submissions (2):

Ambry Genetics
Classification: Uncertain significance for Inborn genetic diseases. Last evaluated: 2025-07-05. Review status: criteria provided, single submitter. Criteria: Ambry Variant Classification Scheme 2023. Collection method: clinical testing. Allele origin: germline.
Comment: The p.R1020T variant (also known as c.3059G>C), located in coding exon 31 of the FANCA gene, results from a G to C substitution at nucleotide position 3059. The arginine at codon 1020 is replaced by threonine, an amino acid with similar properties. This amino acid position is conserved. In addition, the in silico prediction for this alteration is inconclusive. Based on the available evidence, the clinical significance of this variant remains unclear.

Labcorp Genetics (formerly Invitae), Labcorp
Classification: Uncertain significance for Fanconi anemia. Last evaluated: 2021-09-01. Review status: criteria provided, single submitter. Criteria: Invitae Variant Classification Sherloc (09022015). Collection method: clinical testing. Allele origin: germline.
Comment: This sequence change replaces arginine with threonine at codon 1020 of the FANCA protein (p.Arg1020Thr). The arginine residue is highly conserved and there is a moderate physicochemical difference between arginine and threonine. This variant is present in population databases (rs777061373, ExAC 0.009%). This variant has not been reported in the literature in individuals affected with FANCA-related conditions. Advanced modeling of protein sequence and biophysical properties (such as structural, functional, and spatial information, amino acid conservation, physicochemical variation, residue mobility, and thermodynamic stability) performed at Invitae indicates that this missense variant is expected to disrupt FANCA protein function. In summary, the available evidence is currently insufficient to determine the role of this variant in disease. Therefore, it has been classified as a Variant of Uncertain Significance.